The following is an entry in ClinVar:

NM_000038.6(APC):c.646-3035A>T

Gene: APC (APC regulator of WNT signaling pathway; plus strand). Cytogenetic location: 5q22.2.
Variant type: single nucleotide variant.
Coding change: c.646-3035A>T on transcript NM_000038.6 (MANE Select); 3035 bases into the intron before coding-DNA position 646, A replaced by T.
Molecular consequence: intron variant.
Genome position (GRCh38, 1-based): chr5:112,789,411, A>T. VCF-style: chr5-112789411-A-T. GRCh37 (hg19) VCF-style: chr5-112125108-A-T.
Other names: c.646-3035A>T (NM_001354895.2, NM_001127510.3, NM_001354896.2 and 1 more transcripts); c.676-3035A>T (NM_001354897.2, NM_001354902.2); c.675+8508A>T (NM_001127511.3); c.571-3035A>T (NM_001354898.2, NM_001354904.2); c.-390-3035A>T (NM_001354906.2); c.645+8508A>T (NM_001354899.2); c.469-3035A>T (NM_001354900.2, NM_001354901.2, NM_001354905.2).
Identifiers: ClinVar variation 82984 (VCV000082984.2), dbSNP rs77451330, ClinGen allele CA011800.

ClinVar aggregate classification (germline): other (0 of 4 stars; one submission).

Conditions:
Familial colorectal cancer. Identifiers: MedGen CN280943, MONDO:0023113. Disease mechanism: loss of function.

Submission:

Systems Biology Platform Zhejiang California International NanoSystems Institute
Classification: other for Familial colorectal cancer. Review status: no assertion criteria provided. Collection method: not provided. Allele origin: unknown.
ClinVar note: Converted during submission from cancer to other.